The following is an entry in ClinVar:

ClinVar aggregate classification (germline): Uncertain significance (1 of 4 stars; one submission).

Submission:

GeneDx
Classification: Uncertain significance. Last evaluated: 2024-11-25. Review status: criteria provided, single submitter. Criteria: GeneDx Variant Classification Process June 2021. Collection method: clinical testing. Allele origin: germline. Affected: yes.
Comment: Not observed at significant frequency in large population cohorts (gnomAD); In silico analysis indicates that this missense variant does not alter protein structure/function; Has not been previously published as pathogenic or benign to our knowledge

NM_001184880.2(PCDH19):c.1543A>G (p.Ile515Val)

Gene: PCDH19 (protocadherin 19; minus strand). Cytogenetic location: Xq22.1.
Variant type: single nucleotide variant.
Coding change: c.1543A>G on transcript NM_001184880.2 (MANE Select); coding-DNA position 1543, A replaced by G.
Protein change: p.Ile515Val; replaces isoleucine 515 with valine.
Molecular consequence: missense variant.
Genome position (GRCh38, 1-based): chrX:100,407,055, T>C on the plus strand (A>G on the coding strand, the complement: PCDH19 is on the minus strand). VCF-style: chrX-100407055-T-C. GRCh37 (hg19) VCF-style: chrX-99662053-T-C.
Other names: c.1543A>G, p.Ile515Val (NM_001105243.2, NM_020766.3); short protein forms I515V.
Identifiers: ClinVar variation 3900099 (VCV003900099.1).